The following is an entry in ClinVar:

ClinVar aggregate classification (germline): Uncertain significance (1 of 4 stars; one submission).

Submission:

Labcorp Genetics (formerly Invitae), Labcorp
Classification: Uncertain significance. Last evaluated: 2022-03-01. Review status: criteria provided, single submitter. Criteria: Invitae Variant Classification Sherloc (09022015). Collection method: clinical testing. Allele origin: germline.
Comment: A copy number gain of the genomic region encompassing the full coding sequence of the NDUFAF6 gene has been identified. The boundaries of this event are unknown as they extend beyond the assayed region for this gene and therefore may encompass additional genes. As the precise location of this event is unknown, it may be in tandem or it may be located elsewhere in the genome. This variant has not been reported in the literature in individuals affected with NDUFAF6-related conditions. In summary, the available evidence is currently insufficient to determine the role of this variant in disease. Therefore, it has been classified as a Variant of Uncertain Significance.

NC_000008.10:g.(?_96037237)_(96070165_?)dup

Gene: NDUFAF6 (NADH:ubiquinone oxidoreductase complex assembly factor 6; plus strand). Cytogenetic location: 8q22.1.
Variant type: Duplication.
Identifiers: ClinVar variation 2427378 (VCV002427378.3).